The following is an entry in ClinVar:

ClinVar aggregate classification (germline): Conflicting classifications of pathogenicity. Review status: criteria provided, conflicting classifications (1 of 4 stars). 2 submissions from 2 submitters: Uncertain significance (1); Likely benign (1). Last evaluated 2025-11-17.

Conditions:
Malignant hyperthermia, susceptibility to, 5 (MHS5). Also called: CACNA1S-Related Malignant Hyperthermia Susceptibility. Identifiers: Orphanet 423, MedGen C1866077, MONDO:0011163, OMIM 601887.
Hypokalemic periodic paralysis, type 1. Also called: Hypokalemic Periodic Paralysis Type 1 (AD); HypoPP. Identifiers: Orphanet 681, MedGen C3714580, MONDO:0042979, OMIM 170400.

gnomAD v4.1: 4 of 1,613,906 alleles (0.00025%); highest among the groups gnomAD compares: African/African-American, 0.0053%; no homozygotes.

Submissions (2):

Color Diagnostics, LLC DBA Color Health
Classification: Uncertain significance for Malignant hyperthermia, susceptibility to, 5. Last evaluated: 2025-11-17. Review status: criteria provided, single submitter. Criteria: ACMG Guidelines, 2015. Collection method: clinical testing. Allele origin: germline.
Comment: This missense variant replaces glutamine with histidine at codon 1508 of the CACNA1S protein. Computational prediction suggests that this variant may not impact protein structure and function. To our knowledge, functional studies have not been reported for this variant. This variant has not been reported in individuals affected with CACNA1S-related disorders in the literature. This variant has been identified in 3/282816 chromosomes in the general population by the Genome Aggregation Database (gnomAD). The available evidence is insufficient to determine the role of this variant in disease conclusively. Therefore, this variant is classified as a Variant of Uncertain Significance.

Labcorp Genetics (formerly Invitae), Labcorp
Classification: Likely benign for Hypokalemic periodic paralysis, type 1; Malignant hyperthermia, susceptibility to, 5. Last evaluated: 2024-08-08. Review status: criteria provided, single submitter. Criteria: Invitae Variant Classification Sherloc (09022015). Collection method: clinical testing. Allele origin: germline.

NM_000069.3(CACNA1S):c.4524G>C (p.Gln1508His)

Gene: CACNA1S (calcium voltage-gated channel subunit alpha1 S; minus strand). Cytogenetic location: 1q32.1.
Variant type: single nucleotide variant.
Coding change: c.4524G>C on transcript NM_000069.3 (MANE Select); coding-DNA position 4524, G replaced by C.
Protein change: p.Gln1508His; replaces glutamine 1508 with histidine.
Molecular consequence: missense variant.
Genome position (GRCh38, 1-based): chr1:201,047,544, C>G on the plus strand (G>C on the coding strand, the complement: CACNA1S is on the minus strand). VCF-style: chr1-201047544-C-G. GRCh37 (hg19) VCF-style: chr1-201016672-C-G.
Other names: short protein forms Q1508H.
Identifiers: ClinVar variation 3762175 (VCV003762175.3).